The following is an entry in ClinVar:

NM_000350.3(ABCA4):c.2354G>A (p.Arg785His)

Gene: ABCA4 (ATP binding cassette subfamily A member 4; minus strand). Cytogenetic location: 1p22.1.
Variant type: single nucleotide variant.
Coding change: c.2354G>A on transcript NM_000350.3 (MANE Select); coding-DNA position 2354, G replaced by A.
Protein change: p.Arg785His; replaces arginine 785 with histidine.
Molecular consequence: missense variant.
Genome position (GRCh38, 1-based): chr1:94,056,629, C>T on the plus strand (G>A on the coding strand, the complement: ABCA4 is on the minus strand). VCF-style: chr1-94056629-C-T. GRCh37 (hg19) VCF-style: chr1-94522185-C-T.
Other names: c.2354G>A (NM_000350.2); short protein forms R785H.
Identifiers: ClinVar variation 1020932 (VCV001020932.5), dbSNP rs368457541, ClinGen allele CA958294.

ClinVar aggregate classification (germline): Uncertain significance. Review status: criteria provided, multiple submitters, no conflicts (2 of 4 stars). 2 submissions from 2 submitters: Uncertain significance (2). Last evaluated 2025-04-28.

Conditions:
ABCA4-related disorder. Also called: ABCA4-related disorders; ABCA4-related condition. Identifiers: MedGen CN239167.

Allele frequency attached by ClinVar (database versions not stated): TOPMed 0.00008; gnomAD 0.00010; ESP Exome Variant Server 0.00015; 1000 Genomes Project 30x 0.00016; 1000 Genomes Project 0.00020.
gnomAD v4.1: 71 of 1,613,376 alleles (0.0044%); highest among the groups gnomAD compares: African/African-American, 0.031%; no homozygotes.

Submissions (2):

PreventionGenetics, part of Exact Sciences
Classification: Uncertain significance for ABCA4-related condition. Last evaluated: 2025-04-28. Review status: criteria provided, single submitter. Criteria: ACMG Guidelines, 2015. Collection method: clinical testing. Allele origin: germline.
Comment: The ABCA4 c.2354G>A variant is predicted to result in the amino acid substitution p.Arg785His. To our knowledge, this variant has not been reported in the literature. This variant is reported in 0.044% of alleles in individuals of African descent in gnomAD. At this time, the clinical significance of this variant is uncertain due to the absence of conclusive functional and genetic evidence.

Labcorp Genetics (formerly Invitae), Labcorp
Classification: Uncertain significance. Last evaluated: 2022-08-08. Review status: criteria provided, single submitter. Criteria: Invitae Variant Classification Sherloc (09022015). Collection method: clinical testing. Allele origin: germline.
Comment: This sequence change replaces arginine, which is basic and polar, with histidine, which is basic and polar, at codon 785 of the ABCA4 protein (p.Arg785His). The frequency data for this variant in the population databases is considered unreliable, as metrics indicate poor data quality at this position in the gnomAD database. This variant has not been reported in the literature in individuals affected with ABCA4-related conditions. ClinVar contains an entry for this variant (Variation ID: 1020932). Advanced modeling of protein sequence and biophysical properties (such as structural, functional, and spatial information, amino acid conservation, physicochemical variation, residue mobility, and thermodynamic stability) performed at Invitae indicates that this missense variant is not expected to disrupt ABCA4 protein function. In summary, the available evidence is currently insufficient to determine the role of this variant in disease. Therefore, it has been classified as a Variant of Uncertain Significance.